The following is an entry in ClinVar:

NM_005857.5(ZMPSTE24):c.997C>A (p.Leu333Ile)

Gene: ZMPSTE24 (zinc metallopeptidase STE24; plus strand). Cytogenetic location: 1p34.2.
Variant type: single nucleotide variant.
Coding change: c.997C>A on transcript NM_005857.5 (MANE Select); coding-DNA position 997, C replaced by A.
Protein change: p.Leu333Ile; replaces leucine 333 with isoleucine.
Molecular consequence: missense variant.
Genome position (GRCh38, 1-based): chr1:40,285,967, C>A. VCF-style: chr1-40285967-C-A. GRCh37 (hg19) VCF-style: chr1-40751639-C-A.
Other names: short protein forms L333I.
Identifiers: ClinVar variation 1905058 (VCV001905058.6), dbSNP rs756638167, ClinGen allele CA791138.
Genomic context (GRCh38, chr1:40,285,967, plus strand): 5'-TGATTTTTTTTTATTCAGAATAAGAAACAAGGATGTAAAAATGAGGAGGTACTCGCTGTA[C>A]TAGGCCATGAACTGGGGCACTGGAAGTTGGGACATACAGTCAAAAATATCATTATTAGCC-3'
Protein context (NP_005848.2, residues 323-343): GCKNEEVLAV[Leu333Ile]GHELGHWKLG

ClinVar aggregate classification (germline): Uncertain significance. Review status: criteria provided, multiple submitters, no conflicts (2 of 4 stars). 2 submissions from 2 submitters: Uncertain significance (2). Last evaluated 2022-09-16.

Conditions:
Restrictive dermopathy 1 (RSDM1). Also called: FETAL HYPOKINESIA SEQUENCE DUE TO RESTRICTIVE DERMOPATHY; HYPERKERATOSIS-CONTRACTURE SYNDROME; RESTRICTIVE DERMOPATHY 1, LETHAL. Identifiers: MedGen C5676878, MONDO:0800042, OMIM 275210.
Mandibuloacral dysplasia with type B lipodystrophy (MADB). Also called: LIPODYSTROPHY, TYPE B, ASSOCIATED WITH MANDIBULOACRAL DYSPLASIA. Identifiers: Orphanet 2457, Orphanet 90154, MedGen C1837756, MONDO:0012074, OMIM 608612.

Allele frequency attached by ClinVar (database versions not stated): gnomAD 0.00001; ExAC 0.00002; TOPMed 0.00001; gnomAD exomes 0.00001.
gnomAD v4.1: 19 of 1,613,826 alleles (0.0012%); highest among the groups gnomAD compares: Admixed American, 0.0083%; no homozygotes.

Submissions (2):

Department of Pathology and Laboratory Medicine, Sinai Health System
Classification: Uncertain significance for Restrictive dermopathy 1; Mandibuloacral dysplasia with type B lipodystrophy. Last evaluated: 2022-09-16. Review status: criteria provided, single submitter. Criteria: ACMG Guidelines, 2015. Collection method: research. Allele origin: germline.

Labcorp Genetics (formerly Invitae), Labcorp
Classification: Uncertain significance. Last evaluated: 2022-08-20. Review status: criteria provided, single submitter. Criteria: Invitae Variant Classification Sherloc (09022015). Collection method: clinical testing. Allele origin: germline.
Comment: In summary, the available evidence is currently insufficient to determine the role of this variant in disease. Therefore, it has been classified as a Variant of Uncertain Significance. Algorithms developed to predict the effect of missense changes on protein structure and function are either unavailable or do not agree on the potential impact of this missense change (SIFT: "Not Available"; PolyPhen-2: "Probably Damaging"; Align-GVGD: "Not Available"). This variant has not been reported in the literature in individuals affected with ZMPSTE24-related conditions. This variant is present in population databases (rs756638167, gnomAD 0.009%). This sequence change replaces leucine, which is neutral and non-polar, with isoleucine, which is neutral and non-polar, at codon 333 of the ZMPSTE24 protein (p.Leu333Ile).